The following is an entry in ClinVar:

ClinVar aggregate classification (germline): Likely benign (0 of 4 stars; one submission).

Conditions:
DHRS3-related disorder. Also called: DHRS3-related condition.

Allele frequency attached by ClinVar (database versions not stated): 1000 Genomes Project 0.00020; 1000 Genomes Project 30x 0.00031; gnomAD 0.00214; TOPMed 0.00218; ExAC 0.00241; ESP Exome Variant Server 0.00254; gnomAD exomes 0.00277.
gnomAD v4.1: 4,367 of 1,612,584 alleles (0.27%); highest among the groups gnomAD compares: Non-Finnish European, 0.32%; 12 homozygotes.

Submission:

PreventionGenetics, part of Exact Sciences
Classification: Likely benign for DHRS3-related condition. Last evaluated: 2020-11-24. Review status: no assertion criteria provided. Collection method: clinical testing. Allele origin: germline.
Comment: This variant is classified as likely benign based on ACMG/AMP sequence variant interpretation guidelines (Richards et al. 2015 PMID: 25741868, with internal and published modifications).

NM_004753.7(DHRS3):c.166C>T (p.Arg56Cys)

Gene: DHRS3 (dehydrogenase/reductase 3; minus strand). Cytogenetic location: 1p36.21.
Variant type: single nucleotide variant.
Coding change: c.166C>T on transcript NM_004753.7 (MANE Select); coding-DNA position 166, C replaced by T.
Protein change: p.Arg56Cys; replaces arginine 56 with cysteine.
Molecular consequence: missense variant.
Genome position (GRCh38, 1-based): chr1:12,617,183, G>A on the plus strand (C>T on the coding strand, the complement: DHRS3 is on the minus strand). VCF-style: chr1-12617183-G-A. GRCh37 (hg19) VCF-style: chr1-12677188-G-A.
Other names: short protein forms R56C.
Identifiers: ClinVar variation 3033595 (VCV003033595.2), dbSNP rs148358973, ClinGen allele CA604782.